The following is an entry in ClinVar:

NM_031296.3(RAB33B):c.128A>G (p.Asn43Ser)

Gene: RAB33B (RAB33B, member RAS oncogene family; plus strand). Cytogenetic location: 4q31.1.
Variant type: single nucleotide variant.
Coding change: c.128A>G on transcript NM_031296.3 (MANE Select); coding-DNA position 128, A replaced by G.
Protein change: p.Asn43Ser; replaces asparagine 43 with serine.
Molecular consequence: missense variant.
Genome position (GRCh38, 1-based): chr4:139,454,323, A>G. VCF-style: chr4-139454323-A-G. GRCh37 (hg19) VCF-style: chr4-140375477-A-G.
Other names: short protein forms N43S.
Identifiers: ClinVar variation 347561 (VCV000347561.8), dbSNP rs371561776, ClinGen allele CA3083945.

ClinVar aggregate classification (germline): Uncertain significance. Review status: criteria provided, multiple submitters, no conflicts (2 of 4 stars). 3 submissions from 3 submitters: Uncertain significance (3). Last evaluated 2024-11-25.

Conditions:
Smith-McCort dysplasia 2 (SMC2). Identifiers: MedGen C3714896, MONDO:0014087, OMIM 615222.
Inborn genetic diseases. Identifiers: MedGen C0950123, MeSH D030342.

Allele frequency attached by ClinVar (database versions not stated): TOPMed 0.00011; ESP Exome Variant Server 0.00015; gnomAD 0.00023 and 0.00025; ExAC 0.00028; 1000 Genomes Project 30x 0.00078; 1000 Genomes Project 0.00080.
gnomAD v4.1: 281 of 1,614,080 alleles (0.017%); highest among the groups gnomAD compares: South Asian, 0.078%; 3 homozygotes.

Submissions (3):

Ambry Genetics
Classification: Uncertain significance for Inborn genetic diseases. Last evaluated: 2024-11-25. Review status: criteria provided, single submitter. Criteria: Ambry Variant Classification Scheme 2023. Collection method: clinical testing. Allele origin: germline.

Labcorp Genetics (formerly Invitae), Labcorp
Classification: Uncertain significance. Last evaluated: 2022-07-11. Review status: criteria provided, single submitter. Criteria: Invitae Variant Classification Sherloc (09022015). Collection method: clinical testing. Allele origin: germline.
Comment: This sequence change replaces asparagine, which is neutral and polar, with serine, which is neutral and polar, at codon 43 of the RAB33B protein (p.Asn43Ser). This variant is present in population databases (rs371561776, gnomAD 0.09%). This variant has not been reported in the literature in individuals affected with RAB33B-related conditions. ClinVar contains an entry for this variant (Variation ID: 347561). Algorithms developed to predict the effect of missense changes on protein structure and function are either unavailable or do not agree on the potential impact of this missense change (SIFT: "Not Available"; PolyPhen-2: "Benign"; Align-GVGD: "Not Available"). In summary, the available evidence is currently insufficient to determine the role of this variant in disease. Therefore, it has been classified as a Variant of Uncertain Significance.

Illumina Laboratory Services, Illumina
Classification: Uncertain significance for Smith-McCort dysplasia 2. Last evaluated: 2018-01-13. Review status: criteria provided, single submitter. Criteria: ICSL Variant Classification Criteria 13 December 2019. Collection method: clinical testing. Allele origin: germline.